The following is an entry in ClinVar:

ClinVar aggregate classification (germline): Uncertain significance (1 of 4 stars; one submission).

Submission:

Labcorp Genetics (formerly Invitae), Labcorp
Classification: Uncertain significance. Last evaluated: 2024-04-12. Review status: criteria provided, single submitter. Criteria: Invitae Variant Classification Sherloc (09022015). Collection method: clinical testing. Allele origin: germline.
Comment: This sequence change replaces glutamine, which is neutral and polar, with histidine, which is basic and polar, at codon 787 of the MYLK3 protein (p.Gln787His). This variant is not present in population databases (gnomAD no frequency). This variant has not been reported in the literature in individuals affected with MYLK3-related conditions. An algorithm developed to predict the effect of missense changes on protein structure and function (PolyPhen-2) suggests that this variant is likely to be disruptive. In summary, the available evidence is currently insufficient to determine the role of this variant in disease. Therefore, it has been classified as a Variant of Uncertain Significance.

NM_182493.3(MYLK3):c.2361A>C (p.Gln787His)

Gene: MYLK3 (myosin light chain kinase 3; minus strand). Cytogenetic location: 16q11.2.
Variant type: single nucleotide variant.
Coding change: c.2361A>C on transcript NM_182493.3 (MANE Select); coding-DNA position 2361, A replaced by C.
Protein change: p.Gln787His; replaces glutamine 787 with histidine.
Molecular consequence: missense variant.
Genome position (GRCh38, 1-based): chr16:46,709,578, T>G on the plus strand (A>C on the coding strand, the complement: MYLK3 is on the minus strand). VCF-style: chr16-46709578-T-G. GRCh37 (hg19) VCF-style: chr16-46743490-T-G.
Other names: c.1338A>C, p.Gln446His (NM_001308301.1); short protein forms Q446H, Q787H.
Identifiers: ClinVar variation 3666433 (VCV003666433.2).